The following is an entry in ClinVar:

ClinVar aggregate classification (germline): Likely benign (0 of 4 stars; one submission).

Conditions:
Relapsing remitting multiple sclerosis. Identifiers: MedGen C0751967, MONDO:0005314.

Allele frequency attached by ClinVar (database versions not stated): gnomAD exomes below 0.00001.
gnomAD v4.1: 1 of 1,614,004 alleles (0.000062%); highest among the groups gnomAD compares: Non-Finnish European, 0.000085%; no homozygotes.

Submission:

Demyelinating Disease Laboratories, VA Medical Center and University of Tennessee
Classification: Likely benign. Review status: no assertion criteria provided. Collection method: not provided. Allele origin: somatic.
ClinVar note: Converted during submission from probable-non-pathogenic to Likely benign.

NM_031157.4(HNRNPA1):c.1096T>C (p.Tyr366His)

Gene: HNRNPA1 (heterogeneous nuclear ribonucleoprotein A1; plus strand). Cytogenetic location: 12q13.13.
Variant type: single nucleotide variant.
Coding change: c.1096T>C on transcript NM_031157.4 (MANE Select); coding-DNA position 1096, T replaced by C.
Protein change: p.Tyr366His; replaces tyrosine 366 with histidine.
Molecular consequence: missense variant. On other transcripts: non-coding transcript variant (1).
Genome position (GRCh38, 1-based): chr12:54,284,290, T>C. VCF-style: chr12-54284290-T-C. GRCh37 (hg19) VCF-style: chr12-54678074-T-C.
Other names: c.940T>C, p.Tyr314His (NM_002136.4); short protein forms Y366H, Y314H.
Identifiers: ClinVar variation 135611 (VCV000135611.2), dbSNP rs483353027, ClinGen allele CA163092.